The following is an entry in ClinVar:

NM_006182.4(DDR2):c.1376C>T (p.Ser459Phe)

Gene: DDR2 (discoidin domain receptor tyrosine kinase 2; plus strand). Cytogenetic location: 1q23.3.
Variant type: single nucleotide variant.
Coding change: c.1376C>T on transcript NM_006182.4 (MANE Select); coding-DNA position 1376, C replaced by T.
Protein change: p.Ser459Phe; replaces serine 459 with phenylalanine.
Molecular consequence: missense variant.
Genome position (GRCh38, 1-based): chr1:162,770,384, C>T. VCF-style: chr1-162770384-C-T. GRCh37 (hg19) VCF-style: chr1-162740174-C-T.
Other names: c.1376C>T, p.Ser459Phe (NM_001014796.3, NM_001354982.2, NM_001354983.2); short protein forms S459F.
Identifiers: ClinVar variation 1898466 (VCV001898466.5), dbSNP rs750750022, ClinGen allele CA1217501.

ClinVar aggregate classification (germline): Uncertain significance (1 of 4 stars; one submission).

Allele frequency attached by ClinVar (database versions not stated): TOPMed below 0.00001; gnomAD 0.00001; ExAC 0.00002.
gnomAD v4.1: 9 of 1,613,960 alleles (0.00056%); highest among the groups gnomAD compares: Admixed American, 0.0083%; no homozygotes.

Submission:

Labcorp Genetics (formerly Invitae), Labcorp
Classification: Uncertain significance. Last evaluated: 2022-07-29. Review status: criteria provided, single submitter. Criteria: Invitae Variant Classification Sherloc (09022015). Collection method: clinical testing. Allele origin: germline.
Comment: This sequence change replaces serine, which is neutral and polar, with phenylalanine, which is neutral and non-polar, at codon 459 of the DDR2 protein (p.Ser459Phe). This variant is present in population databases (rs750750022, gnomAD 0.01%). This variant has not been reported in the literature in individuals affected with DDR2-related conditions. Algorithms developed to predict the effect of missense changes on protein structure and function are either unavailable or do not agree on the potential impact of this missense change (SIFT: "Tolerated"; PolyPhen-2: "Possibly Damaging"; Align-GVGD: "Class C0"). In summary, the available evidence is currently insufficient to determine the role of this variant in disease. Therefore, it has been classified as a Variant of Uncertain Significance.